The following is an entry in ClinVar:

ClinVar aggregate classification (germline): Uncertain significance (1 of 4 stars; one submission).

Conditions:
Neuronopathy, distal hereditary motor, autosomal recessive 4. Also called: Autosomal recessive lower motor neuron disease with childhood onset; NEUROPATHY, DISTAL HEREDITARY MOTOR, AUTOSOMAL RECESSIVE 4. Identifiers: Orphanet 206580, MedGen C1970211, MONDO:0012608, OMIM 611067.
Charcot-Marie-Tooth disease recessive intermediate C. Also called: CHARCOT-MARIE-TOOTH NEUROPATHY, RECESSIVE INTERMEDIATE C. Identifiers: Orphanet 369867, MedGen C3809309, MONDO:0014154, OMIM 615376.

Allele frequency attached by ClinVar (database versions not stated): ExAC 0.00001; gnomAD 0.00001; gnomAD exomes 0.00002; TOPMed 0.00002; ESP Exome Variant Server 0.00008.
gnomAD v4.1: 26 of 1,613,852 alleles (0.0016%); highest among the groups gnomAD compares: Non-Finnish European, 0.0021%; no homozygotes.

Submissions (2):

Labcorp Genetics (formerly Invitae), Labcorp
Classification: Uncertain significance for Neuronopathy, distal hereditary motor, autosomal recessive 4; Charcot-Marie-Tooth disease recessive intermediate C. Last evaluated: 2022-03-13. Review status: criteria provided, single submitter. Criteria: Invitae Variant Classification Sherloc (09022015). Collection method: clinical testing. Allele origin: germline.
Comment: This sequence change falls in intron 15 of the PLEKHG5 gene. It does not directly change the encoded amino acid sequence of the PLEKHG5 protein. It affects a nucleotide within the consensus splice site. This variant is present in population databases (rs370601982, gnomAD 0.01%). This variant has not been reported in the literature in individuals affected with PLEKHG5-related conditions. ClinVar contains an entry for this variant (Variation ID: 939956). Variants that disrupt the consensus splice site are a relatively common cause of aberrant splicing (PMID: 17576681, 9536098). Algorithms developed to predict the effect of sequence changes on RNA splicing suggest that this variant is not likely to affect RNA splicing. In summary, the available evidence is currently insufficient to determine the role of this variant in disease. Therefore, it has been classified as a Variant of Uncertain Significance.

Dr. Peter K. Rogan Lab, Western University
No classification provided (evidence only). Condition: Malignant tumor of esophagus. Review status: no classification provided. Collection method: in vitro. Allele origin: not applicable. Functional consequence: retained intron. Not counted in ClinVar's aggregate classification.

Literature cited by the submitters: PubMed 17576681 (cited by Labcorp Genetics (formerly Invitae), Labcorp); PubMed 9536098 (cited by Labcorp Genetics (formerly Invitae), Labcorp).

NM_020631.6(PLEKHG5):c.1681-3C>T

Gene: PLEKHG5 (pleckstrin homology and RhoGEF domain containing G5; minus strand). Cytogenetic location: 1p36.31.
Variant type: single nucleotide variant.
Coding change: c.1681-3C>T on transcript NM_020631.6 (MANE Select); 3 bases into the intron before coding-DNA position 1681, C replaced by T.
Molecular consequence: intron variant.
Genome position (GRCh38, 1-based): chr1:6,470,358, G>A on the plus strand (C>T on the coding strand, the complement: PLEKHG5 is on the minus strand). VCF-style: chr1-6470358-G-A. GRCh37 (hg19) VCF-style: chr1-6530418-G-A.
Other names: c.1681-3C>T (NM_198681.4, NM_001265594.3, NM_001042664.2 and 1 more transcripts); c.1792-3C>T (NM_001042663.3, NM_001265592.2); c.1888-3C>T (NM_001265593.2).
Identifiers: ClinVar variation 939956 (VCV000939956.8), dbSNP rs370601982, ClinGen allele CA561403.